The following is an entry in ClinVar:

ClinVar aggregate classification (germline): Uncertain significance. Review status: criteria provided, multiple submitters, no conflicts (2 of 4 stars). 2 submissions from 2 submitters: Uncertain significance (2). Last evaluated 2022-05-26.

Conditions:
Schizophrenia 4 (SCZD4). Also called: SCHIZOPHRENIA, SUSCEPTIBILITY TO, 4; SCHIZOPHRENIA SUSCEPTIBILITY LOCUS, CHROMOSOME 22q11-RELATED. Identifiers: MedGen C1833247, MONDO:0010943, OMIM 600850.
Proline dehydrogenase deficiency (HYRPRO1). Also called: Hyperprolinemia type 1; PROLINE OXIDASE DEFICIENCY. Identifiers: Orphanet 419, MedGen C0268529, MONDO:0009400, OMIM 239500.

Allele frequency attached by ClinVar (database versions not stated): gnomAD exomes 0.00007; ExAC 0.00012; 1000 Genomes Project 0.00040.

Submissions (2):

Fulgent Genetics
Classification: Uncertain significance for Proline dehydrogenase deficiency; Schizophrenia 4. Last evaluated: 2022-05-26. Review status: criteria provided, single submitter. Criteria: ACMG Guidelines, 2015. Collection method: clinical testing. Allele origin: unknown.

Labcorp Genetics (formerly Invitae), Labcorp
Classification: Uncertain significance for Proline dehydrogenase deficiency. Last evaluated: 2021-08-28. Review status: criteria provided, single submitter. Criteria: Invitae Variant Classification Sherloc (09022015). Collection method: clinical testing. Allele origin: germline.
Comment: This sequence change replaces arginine with glutamine at codon 131 of the PRODH protein (p.Arg131Gln). The arginine residue is weakly conserved and there is a small physicochemical difference between arginine and glutamine. This variant is present in population databases (rs145456430, ExAC 0.1%). This variant has not been reported in the literature in individuals affected with PRODH-related conditions. Algorithms developed to predict the effect of missense changes on protein structure and function output the following: SIFT: "Tolerated"; PolyPhen-2: "Benign"; Align-GVGD: "Class C0". The glutamine amino acid residue is found in multiple mammalian species, which suggests that this missense change does not adversely affect protein function. Algorithms developed to predict the effect of sequence changes on RNA splicing suggest that this variant may create or strengthen a splice site. In summary, the available evidence is currently insufficient to determine the role of this variant in disease. Therefore, it has been classified as a Variant of Uncertain Significance.

NM_016335.6(PRODH):c.392G>A (p.Arg131Gln)

Gene: PRODH (proline dehydrogenase 1; minus strand). Cytogenetic location: 22q11.21.
Variant type: single nucleotide variant.
Coding change: c.392G>A on transcript NM_016335.6 (MANE Select); coding-DNA position 392, G replaced by A.
Protein change: p.Arg131Gln; replaces arginine 131 with glutamine.
Molecular consequence: missense variant.
Genome position (GRCh38, 1-based): chr22:18,931,080, C>T on the plus strand (G>A on the coding strand, the complement: PRODH is on the minus strand). VCF-style: chr22-18931080-C-T. GRCh37 (hg19) VCF-style: chr22-18918593-C-T.
Other names: c.68G>A, p.Arg23Gln (NM_001195226.2); short protein forms R23Q, R131Q.
Identifiers: ClinVar variation 1045280 (VCV001045280.7), dbSNP rs145456430, ClinGen allele CA10095454.